The following is an entry in ClinVar:

ClinVar aggregate classification (germline): Uncertain significance (1 of 4 stars; one submission).

Conditions:
Inborn genetic diseases. Identifiers: MedGen C0950123, MeSH D030342.

Submission:

Ambry Genetics
Classification: Uncertain significance for Inborn genetic diseases. Last evaluated: 2026-04-13. Review status: criteria provided, single submitter. Criteria: Ambry Variant Classification Scheme 2023. Collection method: clinical testing. Allele origin: germline.
Comment: The p.K732R variant (also known as c.2195A>G), located in coding exon 8 of the MECOM gene, results from an A to G substitution at nucleotide position 2195. The lysine at codon 732 is replaced by arginine, an amino acid with highly similar properties. This amino acid position is conserved. In addition, this alteration is predicted to be tolerated by in silico analysis. Based on the available evidence, the clinical significance of this variant remains unclear.

NM_004991.4(MECOM):c.2195A>G (p.Lys732Arg)

Gene: MECOM (MDS1 and EVI1 complex locus; minus strand). Cytogenetic location: 3q26.2.
Variant type: single nucleotide variant.
Coding change: c.2195A>G on transcript NM_004991.4 (MANE Select); coding-DNA position 2195, A replaced by G.
Protein change: p.Lys732Arg; replaces lysine 732 with arginine.
Molecular consequence: missense variant.
Genome position (GRCh38, 1-based): chr3:169,115,677, T>C on the plus strand (A>G on the coding strand, the complement: MECOM is on the minus strand). VCF-style: chr3-169115677-T-C. GRCh37 (hg19) VCF-style: chr3-168833465-T-C.
Other names: c.1826A>G, p.Lys609Arg (NM_001105077.4); c.1631A>G, p.Lys544Arg (NM_001105078.4, NM_001164000.2, NM_001205194.2 and 4 more transcripts); c.1634A>G, p.Lys545Arg (NM_001163999.2, NM_001366467.2, NM_001366468.2 and 1 more transcripts); c.2195A>G, p.Lys732Arg (NM_001366466.2); c.1223A>G, p.Lys408Arg (NM_001366473.2); c.659A>G, p.Lys220Arg (NM_001366474.2); short protein forms K220R, K408R, K609R, K544R, K732R, K545R.
Identifiers: ClinVar variation 3124831 (VCV003124831.2), dbSNP rs2549405115, ClinGen allele CA355085601.